The following continues an entry in ClinVar:

NM_000465.4(BARD1):c.2300_2301del (p.Val767fs)

Gene: BARD1. ClinVar aggregate classification (germline): Pathogenic/Likely pathogenic. Pathogenic (2); Likely pathogenic (12).

Submissions 11 to 18 of 18:

GeneDx
Classification: Likely pathogenic. Last evaluated: 2023-05-12. Review status: criteria provided, single submitter. Criteria: GeneDx Variant Classification Process June 2021. Collection method: clinical testing. Allele origin: germline. Affected: yes.
Comment: Frameshift variant predicted to result in protein truncation as the last 11 amino acids are lost and replaced with 3 incorrect amino acids in the critical BRCT 2 domain; Published functional studies suggest a damaging effect: reduced HDR activity (Adamovich et al., 2019); Observed in individuals with breast, ovarian, and other cancers (Couch et al., 2015; Ramus et al., 2015; Gong et al., 2021; Truong et al., 2021; El Jabbour et al., 2022; Nurmi et al., 2022); Not observed at significant frequency in large population cohorts (gnomAD); This variant is associated with the following publications: (PMID: 25452441, 14578343, 26315354, 18842000, 17550235, 15782130, 29922827, 32075053, Imyanitov[case report], 30925164, 17848578, 34445631, 35078243, 36551643, 34654685)

Institute for Genomic Medicine (IGM) Clinical Laboratory, Nationwide Children's Hospital
Classification: Likely pathogenic for BARD1-related cancer predisposition. Last evaluated: 2023-03-28. Review status: criteria provided, single submitter. Criteria: ACMG Guidelines, 2015. Collection method: clinical testing. Allele origin: germline.
Comment: This variant is predicted to result in loss of function through nonsense-mediated decay of the encoded transcript or premature truncation of the encoded protein in a gene in which loss of function is a known mechanism of disease (ACMG/AMP: PVS1_Strong; PMIDs:31036035, 32726901). Well-established functional studies have demonstrated this variant to have a damaging effect on protein function or splicing (ACMG/AMP: PS3_Supporting; PMIDs:30925164, 17848578). This variant has been reported at an elevated frequency in affected individuals/in multiple affected individuals in the literature (ACMG/AMP: PS4_Supporting; PMIDs:25452441, 26315354).

Myriad Genetics, Inc.
Classification: Pathogenic for Familial cancer of breast. Last evaluated: 2023-02-24. Review status: criteria provided, single submitter. Criteria: Myriad Autosomal Dominant, Autosomal Recessive and X-Linked Classification Criteria (2023). Collection method: clinical testing. Allele origin: unknown.
Comment: This variant is considered pathogenic. This variant creates a frameshift predicted to result in premature protein truncation.

Sema4
Classification: Likely pathogenic for Hereditary cancer-predisposing syndrome. Last evaluated: 2021-09-19. Review status: criteria provided, single submitter. Criteria: Sema4 Curation Guidelines. Collection method: curation. Allele origin: germline.
Comment: The BARD1 c.2300_2301delTG (p.V767Dfs*4) variant has been reported in heterozygosity in at least one individual with breast cancer and at least one individual with ovarian cancer (PMID: 26315354, 25452441). Functional studies have shown that this variant significantly impairs homology-directed repair in HeLa cells (PMID: 30925164). This variant is not predicted to cause nonsense-mediated decay, but it may cause a loss of normal protein function through protein truncation. This variant is predicted to delete or alter the last 11 amino acids of the BARD1 protein, including the C-terminus of the BRCT2 domain which is required for chromosome stability and homology-directed repair (PMID: 14578343, 15782130, 17848578, 17550235, 18842000). This variant was observed in 6/128926 chromosomes in the Non-Finnish European population according to the Genome Aggregation Database (PMID: 32461654). This variant has been reported in ClinVar (Variation ID: 230523). Based on the current evidence available, this variant is interpreted as likely pathogenic.

Diagnostics Centre, Carl Von Ossietzky University Oldenburg
Classification: Pathogenic for Familial cancer of breast. Last evaluated: 2023-08-22. Review status: no assertion criteria provided. Collection method: clinical testing. Allele origin: germline. Affected: yes. Observed: 1 variant allele. Not counted in ClinVar's aggregate classification.
Comment: The variant BARD1:c.2300_2301delTG, p.(Val767Aspfs*4), which is located in the coding exon 11 of the BARD1 gene, results from a deletion of nucleotide positions 2300 and 2301. This leads to a frameshift and a premature stop codon after four amino acids which is predicted to cause protein truncation. The variant affects the BRCT2 domain, which plays a crucial role in the protein function associated to in DNA repair and tumor suppression. The variant is described four times as pathogenic and five times as probably pathogenic in Clinvar (Clinvar ID: 230523). The varinat has been detected in individuals affected with breast cancer (PMID: 34445631, 32075053, 25452441) and ovarian carcinoma (PMID: 26315354). In a functional study, a loss of function of the truncated BARD1 gene product in relation to homology-directed repair was demonstrated based on a cell culture assay (PMID: 30925164). The variant is very rare, with an allele frequency in the overall population= 0.00001 (gnomAD V3.1.2). The variant is classified as Pathogenic.

BRCAlab, Lund University
Classification: Pathogenic for Familial cancer of breast. Last evaluated: 2022-08-26. Review status: no assertion criteria provided. Collection method: clinical testing. Allele origin: germline. Affected: yes. Not counted in ClinVar's aggregate classification.

CZECANCA consortium
Classification: Pathogenic for Breast and/or ovarian cancer. Last evaluated: 2019-06-11. Review status: no assertion criteria provided. Collection method: clinical testing. Allele origin: germline. Affected: yes. Observed: 1 variant allele. Not counted in ClinVar's aggregate classification.

Counsyl
Classification: Pathogenic for Familial cancer of breast. Last evaluated: 2017-11-09. Review status: no assertion criteria provided. Collection method: clinical testing. Allele origin: unknown. Not counted in ClinVar's aggregate classification.

Literature cited by the submitters: PubMed 25452441 (cited by 9 submitters); PubMed 26315354 (cited by 9 submitters); PubMed 36551643 (cited by 4 submitters); PubMed 37563628 (cited by Labcorp Genetics (formerly Invitae), Labcorp and Quest Diagnostics Nichols Institute San Juan Capistrano); PubMed 17848578 (cited by 4 submitters); PubMed 30925164 (cited by 8 submitters); PubMed 34654685 (cited by Quest Diagnostics Nichols Institute San Juan Capistrano and Center for Genomic Medicine, Rigshospitalet, Copenhagen University Hospital); PubMed 32075053 (cited by Quest Diagnostics Nichols Institute San Juan Capistrano and Ambry Genetics); PubMed 34445631 (cited by 4 submitters); PubMed 39400928 (cited by Quest Diagnostics Nichols Institute San Juan Capistrano and Color Diagnostics, LLC DBA Color Health); PubMed 39061202 (cited by Quest Diagnostics Nichols Institute San Juan Capistrano); PubMed 35078243 (cited by Quest Diagnostics Nichols Institute San Juan Capistrano); PubMed 39684258 (cited by Quest Diagnostics Nichols Institute San Juan Capistrano and Color Diagnostics, LLC DBA Color Health); PubMed 17550235 (cited by 3 submitters); PubMed 26738429 (cited by Color Diagnostics, LLC DBA Color Health); PubMed 14578343 (cited by Ambry Genetics and Sema4); PubMed 15782130 (cited by Ambry Genetics and Sema4); PubMed 18842000 (cited by Ambry Genetics and Sema4); PubMed 31036035 (cited by Institute for Genomic Medicine (IGM) Clinical Laboratory, Nationwide Children's Hospital); PubMed 32726901 (cited by Institute for Genomic Medicine (IGM) Clinical Laboratory, Nationwide Children's Hospital); PubMed 32295079 (cited by CZECANCA consortium).